The following is an entry in ClinVar:

ClinVar aggregate classification (germline): Benign/Likely benign. Review status: criteria provided, multiple submitters, no conflicts (2 of 4 stars). 11 submissions from 11 submitters: Benign (1); Likely benign (10). Last evaluated 2026-01-26.

Conditions:
DSP-related disorder. Also called: DSP-related condition; DSP-related disorders.
Cardiovascular phenotype. Identifiers: MedGen CN230736.
Cardiomyopathy (CMYO). Also called: Cardiomyopathies. Identifiers: Orphanet 167848, MedGen C0878544, MONDO:0004994, HP:0001638. Inheritance: Various modes of inheritance.
Arrhythmogenic right ventricular dysplasia 8 (ARVD8). Also called: Arrhythmogenic Right Ventricular Dysplasia/Cardiomyopathy 8; ARRHYTHMOGENIC RIGHT VENTRICULAR DYSPLASIA, FAMILIAL, 8; ARRHYTHMOGENIC RIGHT VENTRICULAR CARDIOMYOPATHY 8. Identifiers: MedGen C1843896, MONDO:0011831, OMIM 607450.
Arrhythmogenic cardiomyopathy with wooly hair and keratoderma. Also called: Carvajal syndrome; Dilated cardiomyopathy with woolly hair and keratoderma; PALMOPLANTAR KERATODERMA WITH LEFT VENTRICULAR CARDIOMYOPATHY AND WOOLLY HAIR; Arrhythmogenic cardiomyopathy with woolly hair and keratoderma. Identifiers: Orphanet 65282, MedGen C1854063, MONDO:0011581, OMIM 605676.

Submissions (11):

Labcorp Genetics (formerly Invitae), Labcorp
Classification: Likely benign for Arrhythmogenic cardiomyopathy with wooly hair and keratoderma; Arrhythmogenic right ventricular dysplasia 8. Last evaluated: 2026-01-26. Review status: criteria provided, single submitter. Criteria: Invitae Variant Classification Sherloc (09022015). Collection method: clinical testing. Allele origin: germline.

Mayo Clinic Laboratories, Mayo Clinic
Classification: Likely benign. Last evaluated: 2025-05-13. Review status: criteria provided, single submitter. Criteria: ACMG Guidelines, 2015. Collection method: clinical testing. Allele origin: germline. Observed: 2 variant alleles.
Comment: BS1, BP3

PreventionGenetics, part of Exact Sciences
Classification: Likely benign for DSP-related condition. Last evaluated: 2025-04-25. Review status: criteria provided, single submitter. Criteria: ACMG Guidelines, 2015. Collection method: clinical testing. Allele origin: germline.
Comment: This variant is classified as likely benign based on ACMG/AMP sequence variant interpretation guidelines (Richards et al. 2015 PMID: 25741868, with internal and published modifications).

Molecular Diagnostic Laboratory for Inherited Cardiovascular Disease, Montreal Heart Institute
Classification: Likely benign. Last evaluated: 2025-02-17. Review status: criteria provided, single submitter. Criteria: ACMG Guidelines, 2015. Collection method: clinical testing. Allele origin: germline. Affected: no.

Women's Health and Genetics/Laboratory Corporation of America, LabCorp
Classification: Benign. Last evaluated: 2024-11-15. Review status: criteria provided, single submitter. Criteria: LabCorp Variant Classification Summary - May 2015. Collection method: clinical testing. Allele origin: germline.
Comment: Variant summary: DSP c.8508_8519delATCTCGCTCCGG (p.Ser2843_Arg2846del) results in an in-frame deletion in a repeat region that is predicted to remove 4 amino acids from the encoded protein. The variant allele was found at a frequency of 0.00024 in 246768 control chromosomes, predominantly at a frequency of 0.0012 within the African or African-American subpopulation in the gnomAD database. The observed variant frequency within African or African-American control individuals in the gnomAD database is approximately 6 fold of the estimated maximal expected allele frequency for a pathogenic variant in DSP causing Arrhythmogenic Right Ventricular Dysplasia/Cardiomyopathy phenotype (0.0002). c.8508_8519delATCTCGCTCCGG has been reported in the literature in at least 1 individual affected with decreased left ventricular ejection fraction (example, Carrick_2024). It was also observed in at least 1 healthy control individual (example, Kapplinger_2011). To our knowledge, no experimental evidence demonstrating an impact on protein function has been reported. The following publications have been ascertained in the context of this evaluation (PMID: 39011630, 36437915, 36212137, 25445213, 21636032). ClinVar contains an entry for this variant (Variation ID: 44975). Based on the evidence outlined above, the variant was classified as benign.

Blueprint Genetics
Classification: Likely benign. Last evaluated: 2024-10-18. Review status: criteria provided, single submitter. Criteria: ACMG Guidelines, 2015. Collection method: clinical testing. Allele origin: germline.

CHEO Genetics Diagnostic Laboratory, Children's Hospital of Eastern Ontario
Classification: Likely benign for Cardiomyopathy. Last evaluated: 2021-03-04. Review status: criteria provided, single submitter. Criteria: ACMG Guidelines, 2015. Collection method: clinical testing. Allele origin: germline.

Color Diagnostics, LLC DBA Color Health
Classification: Likely benign for Cardiomyopathy. Last evaluated: 2018-11-09. Review status: criteria provided, single submitter. Criteria: ACMG Guidelines, 2015. Collection method: clinical testing. Allele origin: germline.

Ambry Genetics
Classification: Likely benign for Cardiovascular phenotype. Last evaluated: 2018-09-07. Review status: criteria provided, single submitter. Criteria: Ambry Variant Classification Scheme 2023. Collection method: clinical testing. Allele origin: germline.

GeneDx
Classification: Likely benign. Last evaluated: 2018-07-17. Review status: criteria provided, single submitter. Criteria: GeneDx Variant Classification Process June 2021. Collection method: clinical testing. Allele origin: germline. Affected: yes.
Comment: This variant is associated with the following publications: (PMID: 27532257, 24503780, 21636032, 25445213, 31402444)

Laboratory for Molecular Medicine, Mass General Brigham Personalized Medicine
Classification: Likely benign. Last evaluated: 2015-02-18. Review status: criteria provided, single submitter. Criteria: LMM Criteria. Collection method: clinical testing. Allele origin: germline. Observed: 3 variant alleles.
Comment: p.Ser2843_Arg2846del in exon 24 of DSP: This variant is not expected to have cli nical significance because it has been identified in 0.4% (50/11494) of Latino c hromosomes by the Exome Aggregation Consortium (ExAC .org). This in-frame deletion of four amino acids occurs within a region of repe ating amino acids. It can result from several different DNA deletions, and is pr esent in mammals (dolphin, opossum, and platypus) and other evolutionarily dista nt species.

Literature cited by the submitters: PubMed 21636032 (cited by 4 submitters); PubMed 24503780 (cited by Mayo Clinic Laboratories, Mayo Clinic and Ambry Genetics); PubMed 31402444 (cited by Mayo Clinic Laboratories, Mayo Clinic); PubMed 36437915 (cited by Mayo Clinic Laboratories, Mayo Clinic and Women's Health and Genetics/Laboratory Corporation of America, LabCorp); PubMed 37937776 (cited by Mayo Clinic Laboratories, Mayo Clinic); PubMed 39011630 (cited by Mayo Clinic Laboratories, Mayo Clinic and Women's Health and Genetics/Laboratory Corporation of America, LabCorp); PubMed 25445213 (cited by Women's Health and Genetics/Laboratory Corporation of America, LabCorp and Ambry Genetics); PubMed 36212137 (cited by Women's Health and Genetics/Laboratory Corporation of America, LabCorp).

NM_004415.4(DSP):c.8496ATCTCGCTCCGG[1] (p.2827SGSR[4])

Gene: DSP (desmoplakin; plus strand). Cytogenetic location: 6p24.3.
Variant type: Microsatellite.
Coding change: c.8496ATCTCGCTCCGG[1] on transcript NM_004415.4 (MANE Select); one copy of the 12-base unit ATCTCGCTCCGG starting at c.8496; the reference has two copies in a row; one copy, 12 bases deleted; also written c.8508_8519del.
Protein change: p.2827SGSR[4].
Molecular consequence: inframe deletion.
Genome position (GRCh38, 1-based): chr6:7,585,770-7,585,781, ATCTCGCTCCGG deleted; deleting any 12 consecutive bases within chr6:7,585,756-7,585,781 gives the same sequence; the position shown is the placement nearest the transcript's 3' end. VCF-style (leftmost placement, unchanged base first): chr6-7585755-GGGATCTCGCTCC-G. GRCh37 (hg19) VCF-style: chr6-7585988-GGGATCTCGCTCC-G.
Other names: c.8508_8519del (NM_004415.3, NM_004415.4); c.6699ATCTCGCTCCGG[1], p.2228SGSR[4] (NM_001008844.3); c.7167ATCTCGCTCCGG[1], p.2384SGSR[4] (NM_001319034.2); c.8508_8519delATCTCGCTCCGG (NM_004415.4); c.8508_8519del12 (NM_004415.3).
Identifiers: ClinVar variation 44975 (VCV000044975.30), dbSNP rs397516971, ClinGen allele CA007688.